The following is an entry in ClinVar:

ClinVar aggregate classification (germline): Uncertain significance (1 of 4 stars; one submission).

Conditions:
Vascular neoplasm. Identifiers: MedGen C0282607, MONDO:0024296, HP:0100742.

gnomAD v4.1: 241 of 1,613,798 alleles (0.015%); highest among the groups gnomAD compares: African/African-American, 0.031%; no homozygotes.

Submission:

Clinical Genomics Laboratory, Washington University in St. Louis
Classification: Uncertain significance for Vascular neoplasm. Last evaluated: 2025-11-17. Review status: criteria provided, single submitter. Criteria: ACMG Guidelines, 2015. Collection method: clinical testing. Allele origin: germline.
Comment: A GNA14 c.193G>A (p.Asp65Asn) variant was identified at a near heterozygous allelic fraction of 46.8%, a frequency which may be consistent with it being of germline origin. The GNA14 c.193G>A (p.Asp65Asn) variant, to our knowledge, has not been reported in the medical literature. This variant is observed in 241/1,613,798 alleles in the general population (gnomAD v4.1.0). Computational predictors are uncertain as to the impact of this variant on GNA14 function. Due to limited information, and based on ACMG/AMP guidelines for variant interpretation (Richards S et al., PMID: 25741868), the clinical significance of this variant is uncertain at this time.

NM_004297.4(GNA14):c.193G>A (p.Asp65Asn)

Gene: GNA14 (G protein subunit alpha 14; minus strand). Cytogenetic location: 9q21.2.
Variant type: single nucleotide variant.
Coding change: c.193G>A on transcript NM_004297.4 (MANE Select); coding-DNA position 193, G replaced by A.
Protein change: p.Asp65Asn; replaces aspartic acid 65 with asparagine.
Molecular consequence: missense variant.
Genome position (GRCh38, 1-based): chr9:77,529,185, C>T on the plus strand (G>A on the coding strand, the complement: GNA14 is on the minus strand). VCF-style: chr9-77529185-C-T. GRCh37 (hg19) VCF-style: chr9-80144101-C-T.
Other names: short protein forms D65N.
Identifiers: ClinVar variation 4974680 (VCV004974680.1).